The following is an entry in ClinVar:

NM_006231.4(POLE):c.2193C>T (p.Tyr731=)

Gene: POLE (DNA polymerase epsilon, catalytic subunit; minus strand). Cytogenetic location: 12q24.33.
Variant type: single nucleotide variant.
Coding change: c.2193C>T on transcript NM_006231.4 (MANE Select); coding-DNA position 2193, C replaced by T.
Protein change: p.Tyr731=; no amino-acid change (tyrosine 731 retained).
Molecular consequence: synonymous variant.
Genome position (GRCh38, 1-based): chr12:132,667,629, G>A on the plus strand (C>T on the coding strand, the complement: POLE is on the minus strand). VCF-style: chr12-132667629-G-A. GRCh37 (hg19) VCF-style: chr12-133244215-G-A.
Identifiers: ClinVar variation 507787 (VCV000507787.14), dbSNP rs769596366, ClinGen allele CA6893635.

ClinVar aggregate classification (germline): Likely benign. Review status: criteria provided, multiple submitters, no conflicts (2 of 4 stars). 3 submissions from 3 submitters: Likely benign (3). Last evaluated 2026-01-24.

Conditions:
Hereditary cancer-predisposing syndrome. Also called: Hereditary neoplastic syndrome; Hereditary Cancer Syndrome; Neoplastic Syndromes, Hereditary; Tumor predisposition. Identifiers: Orphanet 140162, MedGen C0027672, MeSH D009386, MONDO:0015356.

Allele frequency attached by ClinVar (database versions not stated): gnomAD 0.00001; gnomAD exomes 0.00001; TOPMed 0.00001; ExAC 0.00002.
gnomAD v4.1: 14 of 1,614,060 alleles (0.00087%); highest among the groups gnomAD compares: Middle Eastern, 0.033%; no homozygotes.

Submissions (3):

Labcorp Genetics (formerly Invitae), Labcorp
Classification: Likely benign. Last evaluated: 2026-01-24. Review status: criteria provided, single submitter. Criteria: Invitae Variant Classification Sherloc (09022015). Collection method: clinical testing. Allele origin: germline.

GeneDx
Classification: Likely benign. Last evaluated: 2017-02-27. Review status: criteria provided, single submitter. Criteria: GeneDx Variant Classification (06012015). Collection method: clinical testing. Allele origin: germline. Affected: yes.
Comment: This variant is considered likely benign or benign based on one or more of the following criteria: it is a conservative change, it occurs at a poorly conserved position in the protein, it is predicted to be benign by multiple in silico algorithms, and/or has population frequency not consistent with disease.

Ambry Genetics
Classification: Likely benign for Hereditary cancer-predisposing syndrome. Last evaluated: 2015-07-23. Review status: criteria provided, single submitter. Criteria: Ambry Variant Classification Scheme 2023. Collection method: clinical testing. Allele origin: germline.